The following is an entry in ClinVar:

NM_018109.4(MTPAP):c.1195C>A (p.Leu399Ile)

Gene: MTPAP (mitochondrial poly(A) polymerase; minus strand). Cytogenetic location: 10p11.23.
Variant type: single nucleotide variant.
Coding change: c.1195C>A on transcript NM_018109.4 (MANE Select); coding-DNA position 1195, C replaced by A.
Protein change: p.Leu399Ile; replaces leucine 399 with isoleucine.
Molecular consequence: missense variant.
Genome position (GRCh38, 1-based): chr10:30,322,415, G>T on the plus strand (C>A on the coding strand, the complement: MTPAP is on the minus strand). VCF-style: chr10-30322415-G-T. GRCh37 (hg19) VCF-style: chr10-30611344-G-T.
Other names: short protein forms L399I.
Identifiers: ClinVar variation 1934242 (VCV001934242.5), dbSNP rs761294540, ClinGen allele CA5459025.
Genomic context (GRCh38, chr10:30,322,415, plus strand): 5'-GAAAAAGAAAATGGAGAAGTTTCTTTCTAGTCTTACCTGCTAGGGTTTTTAAGGAATCTA[G>T]TGTTGGAAGAATAGGGGGTGATCTTCTCTGGAGAAAAAAGATGACCATCATTGTAAGGGA-3'
Protein context (NP_060579.3, residues 389-409): QRRSPPILPT[Leu399Ile]DSLKTLADAE

ClinVar aggregate classification (germline): Uncertain significance (1 of 4 stars; one submission).

Allele frequency attached by ClinVar (database versions not stated): TOPMed below 0.00001; gnomAD exomes 0.00001; ExAC 0.00003.
gnomAD v4.1: 11 of 1,610,646 alleles (0.00068%); highest among the groups gnomAD compares: East Asian, 0.022%; no homozygotes.

Submission:

Labcorp Genetics (formerly Invitae), Labcorp
Classification: Uncertain significance. Last evaluated: 2022-05-12. Review status: criteria provided, single submitter. Criteria: Invitae Variant Classification Sherloc (09022015). Collection method: clinical testing. Allele origin: germline.
Comment: This sequence change replaces leucine, which is neutral and non-polar, with isoleucine, which is neutral and non-polar, at codon 399 of the MTPAP protein (p.Leu399Ile). This variant is present in population databases (rs761294540, gnomAD 0.06%). This variant has not been reported in the literature in individuals affected with MTPAP-related conditions. Algorithms developed to predict the effect of missense changes on protein structure and function (SIFT, PolyPhen-2, Align-GVGD) all suggest that this variant is likely to be tolerated. In summary, the available evidence is currently insufficient to determine the role of this variant in disease. Therefore, it has been classified as a Variant of Uncertain Significance.